The following is an entry in ClinVar:

ClinVar aggregate classification (germline): Benign/Likely benign. Review status: criteria provided, multiple submitters, no conflicts (2 of 4 stars). 12 submissions from 11 submitters: Benign (1); Likely benign (10). 1 of the submissions does not count toward it. Last evaluated 2026-05-15.

Conditions:
Hereditary cancer-predisposing syndrome. Also called: Neoplastic Syndromes, Hereditary; Hereditary Cancer Syndrome; Tumor predisposition; Hereditary neoplastic syndrome. Identifiers: Orphanet 140162, MedGen C0027672, MeSH D009386, MONDO:0015356.
Cardiovascular phenotype. Identifiers: MedGen CN230736.
NF1-related disorder. Also called: NF1-related condition. Identifiers: MedGen CN379171.
Neurofibromatosis, type 1 (NF1). Also called: VON RECKLINGHAUSEN DISEASE; Peripheral type neurofibromatosis; NEUROFIBROMATOSIS, TYPE I, SOMATIC; Neurofibromatosis, type I. Identifiers: Orphanet 636, MedGen C0027831, MONDO:0018975, OMIM 162200. Disease mechanism: loss of function.

Allele frequency attached by ClinVar (database versions not stated): ExAC 0.00002; gnomAD exomes 0.00002 and 0.00004; gnomAD 0.00003; TOPMed 0.00003; ESP Exome Variant Server 0.00008.
gnomAD v4.1: 59 of 1,613,718 alleles (0.0037%); highest among the groups gnomAD compares: Non-Finnish European, 0.0044%; no homozygotes.

Submissions (12):

Myriad Genetics, Inc.
Classification: Benign for Neurofibromatosis, type 1. Last evaluated: 2026-05-15. Review status: criteria provided, single submitter. Criteria: Myriad Autosomal Dominant, Autosomal Recessive and X-Linked Classification Criteria (2023). Collection method: clinical testing. Allele origin: unknown.
Comment: This variant is considered benign. This variant is a silent/synonymous amino acid change and it is not expected to impact splicing.

Labcorp Genetics (formerly Invitae), Labcorp
Classification: Likely benign for Neurofibromatosis, type 1. Last evaluated: 2026-01-21. Review status: criteria provided, single submitter. Criteria: Invitae Variant Classification Sherloc (09022015). Collection method: clinical testing. Allele origin: germline.

Women's Health and Genetics/Laboratory Corporation of America, LabCorp
Classification: Likely benign. Last evaluated: 2024-12-06. Review status: criteria provided, single submitter. Criteria: LabCorp Variant Classification Summary - May 2015. Collection method: clinical testing. Allele origin: germline.

Blueprint Genetics
Classification: Likely benign. Last evaluated: 2024-06-25. Review status: criteria provided, single submitter. Criteria: ACMG Guidelines, 2015. Collection method: clinical testing. Allele origin: germline.

CeGaT Center for Human Genetics Tuebingen
Classification: Likely benign. Last evaluated: 2022-06-01. Review status: criteria provided, single submitter. Criteria: CeGaT Center For Human Genetics Tuebingen Variant Classification Criteria Version 2. Collection method: clinical testing. Allele origin: germline. Affected: yes. Observed: 2 variant alleles.
Comment: NF1: BP4, BP7

Department of Pathology and Laboratory Medicine, Sinai Health System
Classification: Likely benign for Neurofibromatosis, type 1. Last evaluated: 2022-04-11. Review status: criteria provided, single submitter. Criteria: ACMG Guidelines, 2015. Collection method: clinical testing. Allele origin: germline. Affected: yes.

Sema4
Classification: Likely benign for Hereditary cancer-predisposing syndrome. Last evaluated: 2021-11-27. Review status: criteria provided, single submitter. Criteria: Sema4 Curation Guidelines. Collection method: curation. Allele origin: germline.

GeneDx
Classification: Likely benign. Last evaluated: 2021-04-27. Review status: criteria provided, single submitter. Criteria: GeneDx Variant Classification Process June 2021. Collection method: clinical testing. Allele origin: germline. Affected: yes.
Comment: This variant is associated with the following publications: (PMID: 27534895)

ARUP Laboratories, Molecular Genetics and Genomics, ARUP Laboratories
Classification: Likely benign. Last evaluated: 2016-10-26. Review status: criteria provided, single submitter. Criteria: ARUP Molecular Germline Variant Investigation Process. Collection method: clinical testing. Allele origin: germline.

Ambry Genetics
Classification: Likely benign for Hereditary cancer-predisposing syndrome. Last evaluated: 2015-01-13. Review status: criteria provided, single submitter. Criteria: Ambry Autosomal Dominant and X-Linked criteria (10/2015). Collection method: clinical testing. Allele origin: germline. Observed: 1 variant allele.

Ambry Genetics
Classification: Likely benign for Cardiovascular phenotype; Hereditary cancer-predisposing syndrome. Last evaluated: 2015-01-13. Review status: criteria provided, single submitter. Criteria: Ambry Variant Classification Scheme 2023. Collection method: clinical testing. Allele origin: germline.

PreventionGenetics, part of Exact Sciences
Classification: Likely benign for NF1-related condition. Last evaluated: 2019-05-18. Review status: no assertion criteria provided. Collection method: clinical testing. Allele origin: germline. Not counted in ClinVar's aggregate classification.
Comment: This variant is classified as likely benign based on ACMG/AMP sequence variant interpretation guidelines (Richards et al. 2015 PMID: 25741868, with internal and published modifications).

Literature cited by the submitters: PubMed 10678181 (cited by Women's Health and Genetics/Laboratory Corporation of America, LabCorp); PubMed 23460398 (cited by Women's Health and Genetics/Laboratory Corporation of America, LabCorp); PubMed 29872168 (cited by Women's Health and Genetics/Laboratory Corporation of America, LabCorp); PubMed 27069254 (cited by Women's Health and Genetics/Laboratory Corporation of America, LabCorp).

NM_001042492.3(NF1):c.1296G>A (p.Val432=)

Gene: NF1 (neurofibromin 1; plus strand). Cytogenetic location: 17q11.2.
Variant type: single nucleotide variant.
Coding change: c.1296G>A on transcript NM_001042492.3 (MANE Select); coding-DNA position 1296, G replaced by A.
Protein change: p.Val432=; no amino-acid change (valine 432 retained).
Molecular consequence: synonymous variant.
Genome position (GRCh38, 1-based): chr17:31,206,275, G>A. VCF-style: chr17-31206275-G-A. GRCh37 (hg19) VCF-style: chr17-29533293-G-A.
Other names: c.1296G>A, p.Val432= (NM_000267.4, NM_001128147.3).
Identifiers: ClinVar variation 229664 (VCV000229664.66), dbSNP rs371599283, ClinGen allele CA8485746.